The following is an entry in ClinVar:

NM_001374353.1(GLI2):c.1861G>A (p.Glu621Lys)

Gene: GLI2 (GLI family zinc finger 2; plus strand). Cytogenetic location: 2q14.2.
Variant type: single nucleotide variant.
Coding change: c.1861G>A on transcript NM_001374353.1 (MANE Select); coding-DNA position 1861, G replaced by A.
Protein change: p.Glu621Lys; replaces glutamic acid 621 with lysine.
Molecular consequence: missense variant.
Genome position (GRCh38, 1-based): chr2:120,984,699, G>A. VCF-style: chr2-120984699-G-A. GRCh37 (hg19) VCF-style: chr2-121742275-G-A.
Other names: c.1912G>A, p.Glu638Lys (NM_001371271.1, NM_005270.5); c.1486G>A, p.Glu496Lys (NM_001374354.1); short protein forms E496K, E621K, E638K.
Identifiers: ClinVar variation 2637498 (VCV002637498.4), dbSNP rs748026927, ClinGen allele CA1852048.
Genomic context (GRCh38, chr2:120,984,699, plus strand): 5'-GCCGGCACGGAGCCTGGCGGCCCAGAGAGCACCGAGGCCAGCAGCACCAGCCAGGCCGTG[G>A]AGGACTGCCTGCACGTCAGAGCCATCAAGACCGAGAGCTCCGGGGTAAGCGGAGCTGGGC-3'
Protein context (NP_001361282.1, residues 611-631): TEASSTSQAV[Glu621Lys]DCLHVRAIKT

ClinVar aggregate classification (germline): Uncertain significance. Review status: criteria provided, multiple submitters, no conflicts (2 of 4 stars). 2 submissions from 2 submitters: Uncertain significance (2). Last evaluated 2025-09-05.

Conditions:
Postaxial polydactyly-anterior pituitary anomalies-facial dysmorphism syndrome. Also called: Culler-Jones syndrome. Identifiers: Orphanet 420584, MedGen C4014479, MONDO:0014369, OMIM 615849.
Holoprosencephaly 9 (HPE9). Also called: PITUITARY ANOMALIES WITH HOLOPROSENCEPHALY-LIKE FEATURES; HOLOPROSENCEPHALY WITH MICROPHTHALMIA AND FIRST BRANCHIAL ARCH ANOMALIES. Identifiers: Orphanet 2162, MedGen C1835819, MONDO:0012563, OMIM 610829.

Allele frequency attached by ClinVar (database versions not stated): ExAC 0.00001; gnomAD exomes 0.00002.
gnomAD v4.1: 35 of 1,613,576 alleles (0.0022%); highest among the groups gnomAD compares: Non-Finnish European, 0.003%; no homozygotes.

Submissions (2):

Women's Health and Genetics/Laboratory Corporation of America, LabCorp
Classification: Uncertain significance. Last evaluated: 2025-09-05. Review status: criteria provided, single submitter. Criteria: LabCorp Variant Classification Summary - May 2015. Collection method: clinical testing. Allele origin: germline.
Comment: Variant summary: GLI2 c.1912G>A (p.Glu638Lys) results in a conservative amino acid change in the encoded protein sequence. Algorithms developed to predict the effect of missense changes on protein structure and function are either unavailable or do not agree on the potential impact of this missense change. The variant allele was found at a frequency of 2.2e-05 in 1606604 control chromosomes (i.e. in 35 carriers) in the gnomAD database (v4.1 dataset). The occurrence in several carriers suggests that this variant is likely not associated with a high penetrance, severe, early onset disease phenotype in heterozygous state. To our knowledge, no occurrence of c.1912G>A in individuals affected with GLI2-related conditions and no experimental evidence demonstrating its impact on protein function have been reported. ClinVar contains an entry for this variant (Variation ID: 2637498). Based on the evidence outlined above, the variant was classified as uncertain significance.

Labcorp Genetics (formerly Invitae), Labcorp
Classification: Uncertain significance for Postaxial polydactyly-anterior pituitary anomalies-facial dysmorphism syndrome; Holoprosencephaly 9. Last evaluated: 2024-09-06. Review status: criteria provided, single submitter. Criteria: Invitae Variant Classification Sherloc (09022015). Collection method: clinical testing. Allele origin: germline.
Comment: This sequence change replaces glutamic acid, which is acidic and polar, with lysine, which is basic and polar, at codon 638 of the GLI2 protein (p.Glu638Lys). This variant is present in population databases (rs748026927, gnomAD 0.0009%). This variant has not been reported in the literature in individuals affected with GLI2-related conditions. ClinVar contains an entry for this variant (Variation ID: 2637498). Invitae Evidence Modeling of protein sequence and biophysical properties (such as structural, functional, and spatial information, amino acid conservation, physicochemical variation, residue mobility, and thermodynamic stability) indicates that this missense variant is expected to disrupt GLI2 protein function with a positive predictive value of 80%. In summary, the available evidence is currently insufficient to determine the role of this variant in disease. Therefore, it has been classified as a Variant of Uncertain Significance.